The following is an entry in ClinVar:

ClinVar aggregate classification (germline): Uncertain significance. Review status: criteria provided, multiple submitters, no conflicts (2 of 4 stars). 2 submissions from 2 submitters: Uncertain significance (2). Last evaluated 2025-12-04.

gnomAD v4.1: 14 of 1,589,308 alleles (0.00088%); highest among the groups gnomAD compares: East Asian, 0.0068%; no homozygotes.

Submissions (2):

Labcorp Genetics (formerly Invitae), Labcorp
Classification: Uncertain significance. Last evaluated: 2025-12-04. Review status: criteria provided, single submitter. Criteria: Invitae Variant Classification Sherloc (09022015). Collection method: clinical testing. Allele origin: germline.
Comment: This sequence change replaces arginine, which is basic and polar, with cysteine, which is neutral and slightly polar, at codon 686 of the KIF26A protein (p.Arg686Cys). The frequency data for this variant in the population databases is considered unreliable, as metrics indicate poor data quality at this position in the gnomAD database. This variant has not been reported in the literature in individuals affected with KIF26A-related conditions. ClinVar contains an entry for this variant (Variation ID: 3534265). An algorithm developed to predict the effect of missense changes on protein structure and function (PolyPhen-2) suggests that this variant is likely to be disruptive. In summary, the available evidence is currently insufficient to determine the role of this variant in disease. Therefore, it has been classified as a Variant of Uncertain Significance.

Ambry Genetics
Classification: Uncertain significance. Last evaluated: 2024-11-10. Review status: criteria provided, single submitter. Criteria: Ambry Variant Classification Scheme 2023. Collection method: clinical testing. Allele origin: germline.

NM_015656.2(KIF26A):c.2056C>T (p.Arg686Cys)

Gene: KIF26A (kinesin family member 26A; plus strand). Cytogenetic location: 14q32.33.
Variant type: single nucleotide variant.
Coding change: c.2056C>T on transcript NM_015656.2 (MANE Select); coding-DNA position 2056, C replaced by T.
Protein change: p.Arg686Cys; replaces arginine 686 with cysteine.
Molecular consequence: missense variant.
Genome position (GRCh38, 1-based): chr14:104,174,173, C>T. VCF-style: chr14-104174173-C-T. GRCh37 (hg19) VCF-style: chr14-104640510-C-T.
Other names: short protein forms R686C.
Identifiers: ClinVar variation 3534265 (VCV003534265.2).